The following is an entry in ClinVar:

NM_004655.4(AXIN2):c.2428G>A (p.Asp810Asn)

Gene: AXIN2 (axin 2; minus strand). Cytogenetic location: 17q24.1.
Variant type: single nucleotide variant.
Coding change: c.2428G>A on transcript NM_004655.4 (MANE Select); coding-DNA position 2428, G replaced by A.
Protein change: p.Asp810Asn; replaces aspartic acid 810 with asparagine.
Molecular consequence: missense variant.
Genome position (GRCh38, 1-based): chr17:65,530,080, C>T on the plus strand (G>A on the coding strand, the complement: AXIN2 is on the minus strand). VCF-style: chr17-65530080-C-T. GRCh37 (hg19) VCF-style: chr17-63526198-C-T.
Other names: p.D810N:GAT>AAT; c.2428G>A (LRG_296t1); c.2233G>A, p.Asp745Asn (NM_001363813.1); short protein forms D810N, D745N.
Identifiers: ClinVar variation 127945 (VCV000127945.27), dbSNP rs140344858, ClinGen allele CA288110.
Genomic context (GRCh38, chr17:65,530,080, plus strand): 5'-TCGGGAGCACCGTCTCATCCTCCCAGATCTCCTCAAACACCGCTCCACAGGCAAACTCAT[C>T]GCTTGCTTTTTTGAAGTAATACCTTAAAAGGAAAACCAAAAAAGCTTCTTGGTAAACTGC-3'
Protein context (NP_004646.3, residues 800-820): NYRYYFKKAS[Asp810Asn]EFACGAVFEE

ClinVar aggregate classification (germline): Conflicting classifications of pathogenicity. Review status: criteria provided, conflicting classifications (1 of 4 stars). 10 submissions from 10 submitters: Uncertain significance (2); Benign (2); Likely benign (5). 1 of the submissions does not count toward it. Last evaluated 2026-02-03.

Conditions:
AXIN2-related disorder.
Hereditary cancer-predisposing syndrome. Also called: Hereditary neoplastic syndrome; Tumor predisposition; Neoplastic Syndromes, Hereditary; Hereditary Cancer Syndrome. Identifiers: Orphanet 140162, MedGen C0027672, MeSH D009386, MONDO:0015356.
Colorectal cancer. Also called: Colorectal cancer, somatic; Malignant Colorectal Neoplasm. Identifiers: MedGen C0346629, MONDO:0005575, OMIM 114500.
Oligodontia-cancer predisposition syndrome. Also called: TOOTH AGENESIS-COLORECTAL CANCER SYNDROME. Identifiers: Orphanet 300576, MedGen C1837750, MONDO:0012075, OMIM 608615. Disease mechanism: loss of function.

Allele frequency attached by ClinVar (database versions not stated): gnomAD exomes 0.00015 and 0.00026; ExAC 0.00035; ESP Exome Variant Server 0.00115; gnomAD 0.00116 and 0.00123; 1000 Genomes Project 0.00120; TOPMed 0.00134; 1000 Genomes Project 30x 0.00141.
gnomAD v4.1: 411 of 1,614,174 alleles (0.025%); highest among the groups gnomAD compares: African/African-American, 0.46%; 3 homozygotes.

Submissions (10):

Labcorp Genetics (formerly Invitae), Labcorp
Classification: Benign for Oligodontia-cancer predisposition syndrome. Last evaluated: 2026-02-03. Review status: criteria provided, single submitter. Criteria: Invitae Variant Classification Sherloc (09022015). Collection method: clinical testing. Allele origin: germline.

Dasa
Classification: Likely benign for colorectal cancer. Last evaluated: 2025-12-23. Review status: criteria provided, single submitter. Criteria: DASA Assertion Criteria. Collection method: clinical testing. Allele origin: germline.
Comment: NM_004655.4(AXIN2):c.2428G>A (p.Asp810Asn) is a missense variant that results in the substitution of aspartic acid with asparagine. Population frequency is inconsistent with a disease-causing role for this variant, and the variant context is inconsistent with a known disease-causing mechanism. Computational prediction algorithms are consistent with a benign effect. Therefore, based on the currently available evidence, this variant is classified as likely benign.

Center for Genomic Medicine, Rigshospitalet, Copenhagen University Hospital
Classification: Uncertain significance. Last evaluated: 2025-03-04. Review status: criteria provided, single submitter. Criteria: ACMG Guidelines, 2015. Collection method: clinical testing. Allele origin: germline.

Blueprint Genetics
Classification: Likely benign. Last evaluated: 2024-10-22. Review status: criteria provided, single submitter. Criteria: ACMG Guidelines, 2015. Collection method: clinical testing. Allele origin: germline.

Women's Health and Genetics/Laboratory Corporation of America, LabCorp
Classification: Likely benign. Last evaluated: 2022-08-11. Review status: criteria provided, single submitter. Criteria: LabCorp Variant Classification Summary - May 2015. Collection method: clinical testing. Allele origin: germline.

Quest Diagnostics Nichols Institute San Juan Capistrano
Classification: Benign. Last evaluated: 2021-06-23. Review status: criteria provided, single submitter. Criteria: Quest Diagnostics criteria. Collection method: clinical testing. Allele origin: unknown.

Sema4
Classification: Likely benign for Hereditary cancer-predisposing syndrome. Last evaluated: 2021-05-20. Review status: criteria provided, single submitter. Criteria: Sema4 Curation Guidelines. Collection method: curation. Allele origin: germline.

Ambry Genetics
Classification: Likely benign for Hereditary cancer-predisposing syndrome. Last evaluated: 2019-04-15. Review status: criteria provided, single submitter. Criteria: Ambry Variant Classification Scheme 2023. Collection method: clinical testing. Allele origin: germline.

GeneDx
Classification: Uncertain significance. Last evaluated: 2018-09-06. Review status: criteria provided, single submitter. Criteria: GeneDx Variant Classification (06012015). Collection method: clinical testing. Allele origin: germline. Affected: yes.
Comment: This variant is denoted AXIN2 c.2428G>A at the cDNA level, p.Asp810Asn (D810N) at the protein level, and results in the change of an Aspartic Acid to an Asparagine (GAT>AAT). This variant was observed in at least one individual with breast or gynecological cancer, as well as individuals with colon cancer (DeRycke 2017, Dominguez-Valentin 2018). AXIN2 Asp810Asn was observed at an allele frequency of 0.35% (83/24,028) in individuals of African ancestry in large population cohorts (Lek 2016). This variant is located in the DIX domain (Salahshor 2005). In silico analysis, which includes protein predictors and evolutionary conservation, supports a deleterious effect. Based on currently available evidence, it is unclear whether AXIN2 Asp810Asn is a pathogenic or benign variant. We consider it to be a variant of uncertain significance.

PreventionGenetics, part of Exact Sciences
Classification: Likely benign for AXIN2-related condition. Last evaluated: 2021-03-02. Review status: no assertion criteria provided. Collection method: clinical testing. Allele origin: germline. Not counted in ClinVar's aggregate classification.
Comment: This variant is classified as likely benign based on ACMG/AMP sequence variant interpretation guidelines (Richards et al. 2015 PMID: 25741868, with internal and published modifications).

Literature cited by the submitters: PubMed 29371908 (cited by Quest Diagnostics Nichols Institute San Juan Capistrano).